The following is an entry in ClinVar:

NM_016008.4(DYNC2LI1):c.67G>A (p.Glu23Lys)

Gene: DYNC2LI1 (dynein cytoplasmic 2 light intermediate chain 1; plus strand). Cytogenetic location: 2p21.
Variant type: single nucleotide variant.
Coding change: c.67G>A on transcript NM_016008.4 (MANE Select); coding-DNA position 67, G replaced by A.
Protein change: p.Glu23Lys; replaces glutamic acid 23 with lysine.
Molecular consequence: missense variant.
Genome position (GRCh38, 1-based): chr2:43,776,840, G>A. VCF-style: chr2-43776840-G-A. GRCh37 (hg19) VCF-style: chr2-44003979-G-A.
Other names: c.67G>A, p.Glu23Lys (NM_001193464.2, NM_001348912.2, NM_001348913.2 and 1 more transcripts); c.67G>A (NM_001193464.1); short protein forms E23K.
Identifiers: ClinVar variation 1442331 (VCV001442331.5), dbSNP rs1037165661, ClinGen allele CA46418128.

ClinVar aggregate classification (germline): Uncertain significance. Review status: criteria provided, multiple submitters, no conflicts (2 of 4 stars). 2 submissions from 2 submitters: Uncertain significance (2). Last evaluated 2023-06-02.

Conditions:
Inborn genetic diseases. Identifiers: MedGen C0950123, MeSH D030342.

Allele frequency attached by ClinVar (database versions not stated): gnomAD 0.00001; gnomAD exomes 0.00001; TOPMed 0.00001.

Submissions (2):

Ambry Genetics
Classification: Uncertain significance for Inborn genetic diseases. Last evaluated: 2023-06-02. Review status: criteria provided, single submitter. Criteria: Ambry Variant Classification Scheme 2023. Collection method: clinical testing. Allele origin: germline.

Labcorp Genetics (formerly Invitae), Labcorp
Classification: Uncertain significance. Last evaluated: 2021-08-11. Review status: criteria provided, single submitter. Criteria: Invitae Variant Classification Sherloc (09022015). Collection method: clinical testing. Allele origin: germline.
Comment: In summary, the available evidence is currently insufficient to determine the role of this variant in disease. Therefore, it has been classified as a Variant of Uncertain Significance. Algorithms developed to predict the effect of missense changes on protein structure and function (SIFT, PolyPhen-2, Align-GVGD) all suggest that this variant is likely to be tolerated. This variant has not been reported in the literature in individuals affected with DYNC2LI1-related conditions. This variant is not present in population databases (ExAC no frequency). This sequence change replaces glutamic acid with lysine at codon 23 of the DYNC2LI1 protein (p.Glu23Lys). The glutamic acid residue is moderately conserved and there is a small physicochemical difference between glutamic acid and lysine.